The following is an entry in ClinVar:

NC_000023.11:g.38276775G>A

Gene: RPGR (retinitis pigmentosa GTPase regulator; minus strand). Cytogenetic location: Xp11.4.
Variant type: single nucleotide variant.
Molecular consequence: intron variant (on NM_001367249.1).
Genome position: GRCh38 VCF-style: chrX-38276775-G-A. GRCh37 (hg19) VCF-style: chrX-38136028-G-A.
Other names: c.1570-3C>T (NM_001367249.1, NM_001367250.1); c.1903-3C>T (NM_001367245.1); c.1387-3C>T (NM_001367251.1); c.1720-3C>T (NM_001367246.1); c.1573-3C>T (NM_001367247.1); c.1906-3C>T (NM_000328.3); c.1603-3C>T (NM_001367248.1).
Identifiers: ClinVar variation 3672347 (VCV003672347.2).

ClinVar aggregate classification (germline): Uncertain significance (1 of 4 stars; one submission).

Conditions:
Primary ciliary dyskinesia. Also called: Ciliary dyskinesia. Identifiers: Orphanet 244, MedGen C0008780, MONDO:0016575, HP:0012265.

gnomAD v4.1: 2 of 1,196,870 alleles (0.00017%); highest among the groups gnomAD compares: Non-Finnish European, 0.00023%; no homozygotes.

Submission:

Labcorp Genetics (formerly Invitae), Labcorp
Classification: Uncertain significance for Primary ciliary dyskinesia. Last evaluated: 2024-03-20. Review status: criteria provided, single submitter. Criteria: Invitae Variant Classification Sherloc (09022015). Collection method: clinical testing. Allele origin: germline.
Comment: This sequence change falls in intron 15 of the RPGR gene. It does not directly change the encoded amino acid sequence of the RPGR protein. It affects a nucleotide within the consensus splice site. This variant is not present in population databases (gnomAD no frequency). This variant has not been reported in the literature in individuals affected with RPGR-related conditions. Variants that disrupt the consensus splice site are a relatively common cause of aberrant splicing (PMID: 17576681, 9536098). Algorithms developed to predict the effect of sequence changes on RNA splicing suggest that this variant is not likely to affect RNA splicing. In summary, the available evidence is currently insufficient to determine the role of this variant in disease. Therefore, it has been classified as a Variant of Uncertain Significance.

Literature cited by the submitters: PubMed 17576681; PubMed 9536098.